The following is an entry in ClinVar:

NM_001876.4(CPT1A):c.811A>G (p.Arg271Gly)

Gene: CPT1A (carnitine palmitoyltransferase 1A; minus strand). Cytogenetic location: 11q13.3.
Variant type: single nucleotide variant.
Coding change: c.811A>G on transcript NM_001876.4 (MANE Select); coding-DNA position 811, A replaced by G.
Protein change: p.Arg271Gly; replaces arginine 271 with glycine.
Molecular consequence: missense variant.
Genome position (GRCh38, 1-based): chr11:68,794,872, T>C on the plus strand (A>G on the coding strand, the complement: CPT1A is on the minus strand). VCF-style: chr11-68794872-T-C. GRCh37 (hg19) VCF-style: chr11-68562340-T-C.
Other names: c.811A>G, p.Arg271Gly (NM_001031847.3); short protein forms R271G.
Identifiers: ClinVar variation 1803114 (VCV001803114.1), dbSNP rs2495618817, ClinGen allele CA381634626.

ClinVar aggregate classification (germline): Uncertain significance (1 of 4 stars; one submission).

Conditions:
Carnitine palmitoyl transferase 1A deficiency. Also called: Carnitine palmitoyltransferase 1A deficiency; Carnitine palmitoyltransferase type I deficiency; CPT deficiency, hepatic, type IA; CPT I DEFICIENCY; CPT DEFICIENCY, HEPATIC, TYPE I. Identifiers: Orphanet 156, MedGen C1829703, MONDO:0009705, OMIM 255120.

Submission:

Genetics and Molecular Pathology, SA Pathology
Classification: Uncertain significance for Carnitine palmitoyl transferase 1A deficiency. Last evaluated: 2019-12-23. Review status: criteria provided, single submitter. Criteria: ACMG Guidelines, 2015. Collection method: clinical testing. Allele origin: germline. Affected: yes.
Comment: PM2 + PP3